The following is an entry in ClinVar:

NM_001261826.3(AP3D1):c.3314G>T (p.Ser1105Ile)

Gene: AP3D1 (adaptor related protein complex 3 subunit delta 1; minus strand). Cytogenetic location: 19p13.3.
Variant type: single nucleotide variant.
Coding change: c.3314G>T on transcript NM_001261826.3 (MANE Select); coding-DNA position 3314, G replaced by T.
Protein change: p.Ser1105Ile; replaces serine 1105 with isoleucine.
Molecular consequence: missense variant.
Genome position (GRCh38, 1-based): chr19:2,109,909, C>A on the plus strand (G>T on the coding strand, the complement: AP3D1 is on the minus strand). VCF-style: chr19-2109909-C-A. GRCh37 (hg19) VCF-style: chr19-2109908-C-A.
Other names: c.3278G>T, p.Ser1093Ile (NM_001374799.1); c.3128G>T, p.Ser1043Ile (NM_003938.8); short protein forms S1043I, S1093I, S1105I.
Identifiers: ClinVar variation 2872547 (VCV002872547.3), dbSNP rs762226829, ClinGen allele CA9058447.

ClinVar aggregate classification (germline): Uncertain significance (1 of 4 stars; one submission).

Allele frequency attached by ClinVar (database versions not stated): ExAC 0.00001; gnomAD exomes 0.00001; gnomAD 0.00002; TOPMed 0.00002.
gnomAD v4.1: 13 of 1,613,632 alleles (0.00081%); highest among the groups gnomAD compares: Non-Finnish European, 0.0011%; no homozygotes.

Submission:

Labcorp Genetics (formerly Invitae), Labcorp
Classification: Uncertain significance. Last evaluated: 2023-06-10. Review status: criteria provided, single submitter. Criteria: Invitae Variant Classification Sherloc (09022015). Collection method: clinical testing. Allele origin: germline.
Comment: This variant has not been reported in the literature in individuals affected with AP3D1-related conditions. In summary, the available evidence is currently insufficient to determine the role of this variant in disease. Therefore, it has been classified as a Variant of Uncertain Significance. An algorithm developed to predict the effect of missense changes on protein structure and function (PolyPhen-2) suggests that this variant is likely to be tolerated. This variant is present in population databases (rs762226829, gnomAD 0.002%). This sequence change replaces serine, which is neutral and polar, with isoleucine, which is neutral and non-polar, at codon 1105 of the AP3D1 protein (p.Ser1105Ile).